The following is an entry in ClinVar:

ClinVar aggregate classification (germline): Likely benign (0 of 4 stars; one submission).

Conditions:
EPCAM-related disorder. Also called: EPCAM-related condition.

Allele frequency attached by ClinVar (database versions not stated): gnomAD exomes below 0.00001.
gnomAD v4.1: 1 of 989,488 alleles (0.0001%); highest among the groups gnomAD compares: Non-Finnish European, 0.00016%; no homozygotes.

Submission:

PreventionGenetics, part of Exact Sciences
Classification: Likely benign for EPCAM-related condition. Last evaluated: 2022-03-02. Review status: no assertion criteria provided. Collection method: clinical testing. Allele origin: germline.
Comment: This variant is classified as likely benign based on ACMG/AMP sequence variant interpretation guidelines (Richards et al. 2015 PMID: 25741868, with internal and published modifications).

NM_002354.3(EPCAM):c.556-20T>C

Gene: EPCAM (epithelial cell adhesion molecule; plus strand). Cytogenetic location: 2p21.
Variant type: single nucleotide variant.
Coding change: c.556-20T>C on transcript NM_002354.3 (MANE Select); 20 bases into the intron before coding-DNA position 556, T replaced by C.
Molecular consequence: intron variant.
Genome position (GRCh38, 1-based): chr2:47,378,933, T>C. VCF-style: chr2-47378933-T-C. GRCh37 (hg19) VCF-style: chr2-47606072-T-C.
Identifiers: ClinVar variation 3057586 (VCV003057586.2), dbSNP rs2465470835, ClinGen allele CA2658944730.